The following is an entry in ClinVar:

NM_198407.2(GHSR):c.*1161C>T

Gene: GHSR (growth hormone secretagogue receptor; minus strand). Cytogenetic location: 3q26.31.
Variant type: single nucleotide variant.
Coding change: c.*1161C>T on transcript NM_198407.2 (MANE Select); 1161 bases downstream of the stop codon, C replaced by T.
Molecular consequence: 3 prime UTR variant.
Genome position (GRCh38, 1-based): chr3:172,444,000, G>A on the plus strand (C>T on the coding strand, the complement: GHSR is on the minus strand). VCF-style: chr3-172444000-G-A. GRCh37 (hg19) VCF-style: chr3-172161790-G-A.
Identifiers: ClinVar variation 902708 (VCV000902708.4), dbSNP rs139844524, ClinGen allele CA87780532.
Genomic context (GRCh38, chr3:172,444,000, plus strand): 5'-GCCTGCCTTCATCACTTGAAAAATTTCTATATTCATTAACTTTCTTGTAATCTTGCCAGA[G>A]CACGTTACAAATTGTTCCCTTATTCACAAATCGAAGCCTTATAATTGACTTCAAAATTTT-3'

ClinVar aggregate classification (germline): Likely benign (1 of 4 stars; one submission).

Conditions:
Short stature due to growth hormone secretagogue receptor deficiency (GHDP). Also called: Short stature due to GHSR deficiency. Identifiers: Orphanet 314811, MedGen C5887324, MONDO:0014403, OMIM 615925.

Allele frequency attached by ClinVar (database versions not stated): 1000 Genomes Project 0.00160; 1000 Genomes Project 30x 0.00203; TOPMed 0.00566; gnomAD 0.00573 and 0.00593.
gnomAD v4.1: 870 of 152,226 alleles (0.57%); highest among the groups gnomAD compares: Non-Finnish European, 1%; 6 homozygotes.

Submission:

Illumina Laboratory Services, Illumina
Classification: Likely benign for Short stature due to growth hormone secretagogue receptor deficiency. Last evaluated: 2018-01-12. Review status: criteria provided, single submitter. Criteria: ICSL Variant Classification Criteria 13 December 2019. Collection method: clinical testing. Allele origin: germline.
Comment: This variant was observed in the ICSL laboratory as part of a predisposition screen in an ostensibly healthy population. It had not been previously curated by ICSL or reported in the Human Gene Mutation Database (HGMD: prior to June 1st, 2018), and was therefore a candidate for classification through an automated scoring system. Utilizing variant allele frequency, disease prevalence and penetrance estimates, and inheritance mode, an automated score was calculated to assess if this variant is too frequent to cause the disease. Based on the score and internal cut-off values, a variant classified as likely benign is not then subjected to further curation. The score for this variant resulted in a classification of likely benign for this disease.